The following is an entry in ClinVar:

NM_000255.4(MMUT):c.1595G>A (p.Arg532His)

Gene: MMUT (methylmalonyl-CoA mutase; minus strand). Cytogenetic location: 6p12.3.
Variant type: single nucleotide variant.
Coding change: c.1595G>A on transcript NM_000255.4 (MANE Select); coding-DNA position 1595, G replaced by A.
Protein change: p.Arg532His; replaces arginine 532 with histidine.
Molecular consequence: missense variant.
Genome position (GRCh38, 1-based): chr6:49,444,720, C>T on the plus strand (G>A on the coding strand, the complement: MMUT is on the minus strand). VCF-style: chr6-49444720-C-T. GRCh37 (hg19) VCF-style: chr6-49412433-C-T.
Other names: short protein forms R532H.
Identifiers: ClinVar variation 92681 (VCV000092681.40), dbSNP rs1141321, ClinGen allele CA145921.

ClinVar aggregate classification (germline): Benign. Review status: criteria provided, multiple submitters, no conflicts (2 of 4 stars). 16 submissions from 16 submitters: Benign (12). 4 of the submissions do not count toward it. Last evaluated 2026-02-04.

Conditions:
Methylmalonic aciduria due to complete methylmalonyl-CoA mutase deficiency.
Methylmalonic aciduria due to methylmalonyl-CoA mutase deficiency (MAMM). Also called: Methylmalonic aciduria, mut type. Identifiers: Orphanet 27, MedGen C1855114, MONDO:0009612, OMIM 251000.

Allele frequency attached by ClinVar (database versions not stated): 1000 Genomes Project 30x 0.26405; gnomAD 0.30219 and 0.30110; ESP Exome Variant Server 0.31347; gnomAD exomes 0.31603; ExAC 0.32259; TOPMed 0.28198; 1000 Genomes Project 0.26558.
gnomAD v4.1: 562,778 of 1,612,252 alleles (35%); highest among the groups gnomAD compares: Non-Finnish European, 37%; 101,142 homozygotes.

Submissions (16):

Labcorp Genetics (formerly Invitae), Labcorp
Classification: Benign. Last evaluated: 2026-02-04. Review status: criteria provided, single submitter. Criteria: Invitae Variant Classification Sherloc (09022015). Collection method: clinical testing. Allele origin: germline.

ARUP Laboratories, Molecular Genetics and Genomics, ARUP Laboratories
Classification: Benign for Methylmalonic aciduria due to methylmalonyl-CoA mutase deficiency. Last evaluated: 2025-07-28. Review status: criteria provided, single submitter. Criteria: ARUP Molecular Germline Variant Investigation Process 2024. Collection method: clinical testing. Allele origin: germline.

Mayo Clinic Laboratories, Mayo Clinic
Classification: Benign. Last evaluated: 2025-06-03. Review status: criteria provided, single submitter. Criteria: ACMG Guidelines, 2015. Collection method: clinical testing. Allele origin: germline. Observed: 52 variant alleles.
Comment: BA1

Blueprint Genetics
Classification: Benign. Last evaluated: 2024-11-27. Review status: criteria provided, single submitter. Criteria: ACMG Guidelines, 2015. Collection method: clinical testing. Allele origin: germline.

Pars Genome Lab
Classification: Benign for Methylmalonic aciduria due to methylmalonyl-CoA mutase deficiency. Last evaluated: 2021-06-19. Review status: criteria provided, single submitter. Criteria: ACMG Guidelines, 2015. Collection method: clinical testing. Allele origin: germline. Affected: no.

GeneDx
Classification: Benign. Last evaluated: 2018-12-05. Review status: criteria provided, single submitter. Criteria: GeneDx Variant Classification Process June 2021. Collection method: clinical testing. Allele origin: germline. Affected: yes.
Comment: This variant is associated with the following publications: (PMID: 19744961, 23754956, 27591164)

Illumina Laboratory Services, Illumina
Classification: Benign for Methylmalonic aciduria due to methylmalonyl-CoA mutase deficiency. Last evaluated: 2018-01-13. Review status: criteria provided, single submitter. Criteria: ICSL Variant Classification Criteria 13 December 2019. Collection method: clinical testing. Allele origin: germline.
Comment: This variant was observed in the ICSL laboratory as part of a predisposition screen in an ostensibly healthy population. It had not been previously curated by ICSL or reported in the Human Gene Mutation Database (HGMD: prior to June 1st, 2018), and was therefore a candidate for classification through an automated scoring system. Utilizing variant allele frequency, disease prevalence and penetrance estimates, and inheritance mode, an automated score was calculated to assess if this variant is too frequent to cause the disease. Based on the score and internal cut-off values, a variant classified as benign is not then subjected to further curation. The score for this variant resulted in a classification of benign for this disease.

Women's Health and Genetics/Laboratory Corporation of America, LabCorp
Classification: Benign. Last evaluated: 2017-01-23. Review status: criteria provided, single submitter. Criteria: LabCorp Variant Classification Summary - May 2015. Collection method: clinical testing. Allele origin: germline.
Comment: Variant summary: The MUT c.1595G>A (p.Arg532His) variant involves the alteration of a non-conserved nucleotide. 3/4 in silico tools predict a benign outcome for this variant (SNPs&GO not captured due to low reliability index). This variant was found in 39104/121218 control chromosomes (6814 homozygotes) at a frequency of 0.3225924, which is approximately 134 times the estimated maximal expected allele frequency of a pathogenic MUT variant (0.0024152), suggesting this variant is likely a benign polymorphism. In addition, multiple clinical diagnostic laboratories/reputable databases classified this variant as benign. Taken together, this variant is classified as benign.

Laboratory for Molecular Medicine, Mass General Brigham Personalized Medicine
Classification: Benign. Last evaluated: 2016-03-28. Review status: criteria provided, single submitter. Criteria: LMM Criteria. Collection method: clinical testing. Allele origin: germline.
Comment: Variant identified in a genome or exome case(s) and assessed due to predicted null impact of the variant or pathogenic assertions in the literature or databases. Disclaimer: This variant has not undergone full assessment. The following are preliminary notes: 32% of total chromosomes in ExAC

Genome Diagnostics Laboratory, University Medical Center Utrecht
Classification: Benign for Methylmalonic aciduria due to methylmalonyl-CoA mutase deficiency. Last evaluated: 2014-10-09. Review status: criteria provided, single submitter. Criteria: ACGS Guidelines, 2013. Collection method: clinical testing. Allele origin: germline. Affected: yes. Study: VKGL Data-share Consensus.

Eurofins Ntd Llc (ga)
Classification: Benign. Last evaluated: 2013-06-20. Review status: criteria provided, single submitter. Criteria: EGL Classification Definitions 2015. Collection method: clinical testing. Allele origin: germline. Observed: 27 variant alleles, 20 heterozygotes, 7 homozygotes.

PreventionGenetics, part of Exact Sciences
Classification: Benign. Review status: criteria provided, single submitter. Criteria: ACMG Guidelines, 2015. Collection method: clinical testing. Allele origin: germline.

Natera, Inc.
Classification: Benign for Methylmalonic aciduria due to complete methylmalonyl-CoA mutase deficiency. Last evaluated: 2020-09-16. Review status: no assertion criteria provided. Collection method: clinical testing. Allele origin: germline. Not counted in ClinVar's aggregate classification.

Clinical Genetics, Academic Medical Center
Classification: Benign. Review status: no assertion criteria provided. Collection method: clinical testing. Allele origin: germline. Affected: yes. Study: VKGL Data-share Consensus. Not counted in ClinVar's aggregate classification.

Diagnostic Laboratory, Department of Genetics, University Medical Center Groningen
Classification: Benign for Methylmalonic aciduria due to methylmalonyl-CoA mutase deficiency. Review status: no assertion criteria provided. Collection method: clinical testing. Allele origin: germline. Affected: yes. Study: VKGL Data-share Consensus. Not counted in ClinVar's aggregate classification.

Joint Genome Diagnostic Labs from Nijmegen and Maastricht, Radboudumc and MUMC+
Classification: Benign. Review status: no assertion criteria provided. Collection method: clinical testing. Allele origin: germline. Affected: yes. Study: VKGL Data-share Consensus. Not counted in ClinVar's aggregate classification.